The following is an entry in ClinVar:

NM_022370.4(ROBO3):c.2763G>C (p.Glu921Asp)

Gene: ROBO3 (roundabout guidance receptor 3; plus strand). Cytogenetic location: 11q24.2.
Variant type: single nucleotide variant.
Coding change: c.2763G>C on transcript NM_022370.4 (MANE Select); coding-DNA position 2763, G replaced by C.
Protein change: p.Glu921Asp; replaces glutamic acid 921 with aspartic acid.
Molecular consequence: missense variant. On other transcripts: 5 prime UTR variant (1), non-coding transcript variant (1).
Genome position (GRCh38, 1-based): chr11:124,876,444, G>C. VCF-style: chr11-124876444-G-C. GRCh37 (hg19) VCF-style: chr11-124746340-G-C.
Other names: c.-91G>C (NM_001370356.1); short protein forms E921D.
Identifiers: ClinVar variation 303258 (VCV000303258.11), dbSNP rs374437135, ClinGen allele CA6343885.
Genomic context (GRCh38, chr11:124,876,444, plus strand): 5'-CGGGGCGCTGCTTCTCGGGCTCTGCGCCGCCCTCTACTGGCGCCGGAAACAGCGCAAAGA[G>C]CTCAGCCACTACACGGGTGAGCTCCCGGCCTCGGAGCGGACGGATCCGGGAGGGAGCCAG-3'
Protein context (NP_071765.2, residues 911-931): ALYWRRKQRK[Glu921Asp]LSHYTASFAY

ClinVar aggregate classification (germline): Likely benign. Review status: criteria provided, multiple submitters, no conflicts (2 of 4 stars). 4 submissions from 4 submitters: Likely benign (4). Last evaluated 2024-11-08.

Conditions:
Gaze palsy, familial horizontal, with progressive scoliosis 1 (HGPPS1). Identifiers: Orphanet 2744, MedGen C4551964, MONDO:0020790, OMIM 607313.

Allele frequency attached by ClinVar (database versions not stated): ESP Exome Variant Server 0.00033; 1000 Genomes Project 0.00060; gnomAD 0.00119 and 0.00120; 1000 Genomes Project 30x 0.00125; TOPMed 0.00135.

Submissions (4):

Blueprint Genetics
Classification: Likely benign. Last evaluated: 2024-11-08. Review status: criteria provided, single submitter. Criteria: ACMG Guidelines, 2015. Collection method: clinical testing. Allele origin: germline.

Labcorp Genetics (formerly Invitae), Labcorp
Classification: Likely benign. Last evaluated: 2019-12-31. Review status: criteria provided, single submitter. Criteria: Invitae Variant Classification Sherloc (09022015). Collection method: clinical testing. Allele origin: germline.

Illumina Laboratory Services, Illumina
Classification: Likely benign for Gaze palsy, familial horizontal, with progressive scoliosis 1. Last evaluated: 2018-01-13. Review status: criteria provided, single submitter. Criteria: ICSL Variant Classification Criteria 13 December 2019. Collection method: clinical testing. Allele origin: germline.
Comment: This variant was observed in the ICSL laboratory as part of a predisposition screen in an ostensibly healthy population. It had not been previously curated by ICSL or reported in the Human Gene Mutation Database (HGMD: prior to June 1st, 2018), and was therefore a candidate for classification through an automated scoring system. Utilizing variant allele frequency, disease prevalence and penetrance estimates, and inheritance mode, an automated score was calculated to assess if this variant is too frequent to cause the disease. Based on the score and internal cut-off values, a variant classified as likely benign is not then subjected to further curation. The score for this variant resulted in a classification of likely benign for this disease.

Breakthrough Genomics
Classification: Likely benign. Review status: criteria provided, single submitter. Criteria: ACMG Guidelines, 2015. Collection method: not provided. Allele origin: germline. Inheritance: Autosomal recessive inheritance. Affected: yes.